The following is an entry in ClinVar:

ClinVar aggregate classification (germline): Pathogenic (1 of 4 stars; one submission).

Conditions:
Neuronal ceroid lipofuscinosis 2. Also called: TPP1-Related Neuronal Ceroid-Lipofuscinosis; JANSKY-BIELSCHOWSKY DISEASE NEURONAL CEROID LIPOFUSCINOSIS, LATE INFANTILE. Identifiers: Orphanet 168491, Orphanet 228349, Orphanet 79264, MedGen C1876161, MONDO:0008769, OMIM 204500.

Submission:

Myriad Genetics, Inc.
Classification: Pathogenic for Neuronal ceroid lipofuscinosis 2. Last evaluated: 2026-02-04. Review status: criteria provided, single submitter. Criteria: Myriad Autosomal Dominant, Autosomal Recessive and X-Linked Classification Criteria (2023). Collection method: clinical testing. Allele origin: unknown.
Comment: NM_000391.3(TPP1):c.82delC(R28Gfs*20) is expected to be pathogenic in the context of TPP1-related neuronal ceroid lipofuscinosis. This variant is predicted to lead to an abnormal or absent protein product due to the creation of a premature termination codon in TPP1, a gene where loss-of-function variants are known to be pathogenic. Please note: this variant was assessed in the context of healthy population screening.

NM_000391.4(TPP1):c.82del (p.Arg28fs)

Gene: TPP1 (tripeptidyl peptidase 1; minus strand). Cytogenetic location: 11p15.4.
Variant type: Deletion.
Coding change: c.82del on transcript NM_000391.4 (MANE Select); coding-DNA position 82, one base deleted (C; older notation c.82delC).
Protein change: p.Arg28fs; shifts the reading frame from arginine 28.
Molecular consequence: frameshift variant.
Genome position (GRCh38, 1-based): chr11:6,619,203, G deleted on the plus strand (C on the coding strand, the reverse complement: TPP1 is on the minus strand). VCF-style (leftmost placement, unchanged base first): chr11-6619202-CG-C. GRCh37 (hg19) VCF-style: chr11-6640433-CG-C.
Other names: short protein forms R28fs.
Identifiers: ClinVar variation 5015512 (VCV005015512.1).